The following is an entry in ClinVar:

ClinVar aggregate classification (germline): Uncertain significance (1 of 4 stars; one submission).

Conditions:
Early-infantile DEE. Also called: Early infantile epileptic encephalopathy; Early infantile epileptic encephalopathy with suppression bursts; Ohtahara syndrome. Identifiers: Orphanet 1934, MedGen C0393706, MONDO:0800491.

Allele frequency attached by ClinVar (database versions not stated): gnomAD 0.00001.
gnomAD v4.1: 1 of 1,606,402 alleles (0.000062%); highest among the groups gnomAD compares: East Asian, 0.0022%; no homozygotes.

Submission:

Labcorp Genetics (formerly Invitae), Labcorp
Classification: Uncertain significance for Early-infantile DEE. Last evaluated: 2022-11-10. Review status: criteria provided, single submitter. Criteria: Invitae Variant Classification Sherloc (09022015). Collection method: clinical testing. Allele origin: germline.
Comment: In summary, the available evidence is currently insufficient to determine the role of this variant in disease. Therefore, it has been classified as a Variant of Uncertain Significance. Advanced modeling of protein sequence and biophysical properties (such as structural, functional, and spatial information, amino acid conservation, physicochemical variation, residue mobility, and thermodynamic stability) performed at Invitae indicates that this missense variant is expected to disrupt SCN1A protein function. This variant has not been reported in the literature in individuals affected with SCN1A-related conditions. This variant is not present in population databases (gnomAD no frequency). This sequence change replaces leucine, which is neutral and non-polar, with proline, which is neutral and non-polar, at codon 1461 of the SCN1A protein (p.Leu1461Pro).

NM_001165963.4(SCN1A):c.4382T>C (p.Leu1461Pro)

Genes: SCN1A (sodium voltage-gated channel alpha subunit 1; minus strand), LOC102724058 (uncharacterized LOC102724058; plus strand). Cytogenetic location: 2q24.3.
Variant type: single nucleotide variant.
Coding change: c.4382T>C on transcript NM_001165963.4 (MANE Select); coding-DNA position 4382, T replaced by C.
Protein change: p.Leu1461Pro; replaces leucine 1461 with proline.
Molecular consequence: missense variant. On other transcripts: non-coding transcript variant (1).
Genome position (GRCh38, 1-based): chr2:165,998,132, A>G on the plus strand (T>C on the coding strand, the complement: SCN1A is on the minus strand). VCF-style: chr2-165998132-A-G. GRCh37 (hg19) VCF-style: chr2-166854642-A-G.
Other names: c.4295T>C, p.Leu1432Pro (NM_001353960.2); c.1940T>C, p.Leu647Pro (NM_001353961.2); c.4349T>C, p.Leu1450Pro (NM_006920.6, NM_001353949.2, NM_001353950.2 and 2 more transcripts); c.4346T>C, p.Leu1449Pro (NM_001353955.2, NM_001353954.2); c.4298T>C, p.Leu1433Pro (NM_001353957.2, NM_001353958.2, NM_001165964.3); c.4382T>C, p.Leu1461Pro (NM_001202435.3, NM_001353948.2); short protein forms L1432P, L1433P, L1449P, L1461P, L647P, L1450P.
Identifiers: ClinVar variation 2813262 (VCV002813262.3), dbSNP rs1573984537, ClinGen allele CA349049415.